The following is an entry in ClinVar:

NM_001013838.3(CARMIL2):c.3547G>C (p.Glu1183Gln)

Gene: CARMIL2 (capping protein regulator and myosin 1 linker 2; plus strand). Cytogenetic location: 16q22.1.
Variant type: single nucleotide variant.
Coding change: c.3547G>C on transcript NM_001013838.3 (MANE Select); coding-DNA position 3547, G replaced by C.
Protein change: p.Glu1183Gln; replaces glutamic acid 1183 with glutamine.
Molecular consequence: missense variant.
Genome position (GRCh38, 1-based): chr16:67,654,657, G>C. VCF-style: chr16-67654657-G-C. GRCh37 (hg19) VCF-style: chr16-67688560-G-C.
Other names: c.3439G>C, p.Glu1147Gln (NM_001317026.3); short protein forms E1147Q, E1183Q.
Identifiers: ClinVar variation 1936682 (VCV001936682.3), dbSNP rs754498065, ClinGen allele CA8114037.
Genomic context (GRCh38, chr16:67,654,657, plus strand): 5'-AGGAGCCGACCTCGCTACACAAGAGATAGCAAGGCCTACTCGATGATACTGCTGCCTGCC[G>C]AGGAGGAGGCAACGCTGGGTGCCAGACCCGACAAGGTGAGGCTTGCTGATGGGGGGTGGT-3'
Protein context (NP_001013860.1, residues 1173-1193): KAYSMILLPA[Glu1183Gln]EEATLGARPD

ClinVar aggregate classification (germline): Uncertain significance (1 of 4 stars; one submission).

Allele frequency attached by ClinVar (database versions not stated): ExAC 0.00002.
gnomAD v4.1: 7 of 1,586,436 alleles (0.00044%); highest among the groups gnomAD compares: Admixed American, 0.0035%; no homozygotes.

Submission:

Labcorp Genetics (formerly Invitae), Labcorp
Classification: Uncertain significance. Last evaluated: 2024-09-19. Review status: criteria provided, single submitter. Criteria: Invitae Variant Classification Sherloc (09022015). Collection method: clinical testing. Allele origin: germline.
Comment: This sequence change replaces glutamic acid, which is acidic and polar, with glutamine, which is neutral and polar, at codon 1183 of the CARMIL2 protein (p.Glu1183Gln). This variant is present in population databases (rs754498065, gnomAD 0.006%). This variant has not been reported in the literature in individuals affected with CARMIL2-related conditions. ClinVar contains an entry for this variant (Variation ID: 1936682). Invitae Evidence Modeling of protein sequence and biophysical properties (such as structural, functional, and spatial information, amino acid conservation, physicochemical variation, residue mobility, and thermodynamic stability) indicates that this missense variant is not expected to disrupt CARMIL2 protein function with a negative predictive value of 80%. In summary, the available evidence is currently insufficient to determine the role of this variant in disease. Therefore, it has been classified as a Variant of Uncertain Significance.